The following is an entry in ClinVar:

NM_018062.4(FANCL):c.134A>T (p.Asp45Val)

Gene: FANCL (FA complementation group L; minus strand). Cytogenetic location: 2p16.1.
Variant type: single nucleotide variant.
Coding change: c.134A>T on transcript NM_018062.4 (MANE Select); coding-DNA position 134, A replaced by T.
Protein change: p.Asp45Val; replaces aspartic acid 45 with valine.
Molecular consequence: missense variant.
Genome position (GRCh38, 1-based): chr2:58,232,075, T>A on the plus strand (A>T on the coding strand, the complement: FANCL is on the minus strand). VCF-style: chr2-58232075-T-A. GRCh37 (hg19) VCF-style: chr2-58459210-T-A.
Other names: c.134A>T, p.Asp45Val (NM_001114636.2, NM_001374615.1, NM_001410792.1); short protein forms D45V.
Identifiers: ClinVar variation 658873 (VCV000658873.9), dbSNP rs1573820532, ClinGen allele CA347034937.

ClinVar aggregate classification (germline): Uncertain significance (1 of 4 stars; one submission).

Conditions:
Fanconi anemia (FA). Also called: Fanconi's anemia. Identifiers: Orphanet 84, MedGen C0015625, MeSH D005199, MONDO:0019391.

Allele frequency attached by ClinVar (database versions not stated): gnomAD exomes 0.00001.
gnomAD v4.1: 7 of 1,613,400 alleles (0.00043%); highest among the groups gnomAD compares: Non-Finnish European, 0.00059%; no homozygotes.

Submission:

Labcorp Genetics (formerly Invitae), Labcorp
Classification: Uncertain significance for Fanconi anemia. Last evaluated: 2018-09-27. Review status: criteria provided, single submitter. Criteria: Invitae Variant Classification Sherloc (09022015). Collection method: clinical testing. Allele origin: germline.
Comment: This sequence change replaces aspartic acid with valine at codon 45 of the FANCL protein (p.Asp45Val). The aspartic acid residue is highly conserved and there is a large physicochemical difference between aspartic acid and valine. This variant is not present in population databases (ExAC no frequency). This variant has not been reported in the literature in individuals with FANCL-related disease. Algorithms developed to predict the effect of missense changes on protein structure and function are either unavailable or do not agree on the potential impact of this missense change (SIFT: "Deleterious"; PolyPhen-2: "Probably Damaging"; Align-GVGD: "Class C15"). In summary, the available evidence is currently insufficient to determine the role of this variant in disease. Therefore, it has been classified as a Variant of Uncertain Significance.